The following is an entry in ClinVar:

NM_001905.4(CTPS1):c.1237G>A (p.Val413Met)

Gene: CTPS1 (CTP synthase 1; plus strand). Cytogenetic location: 1p34.2.
Variant type: single nucleotide variant.
Coding change: c.1237G>A on transcript NM_001905.4 (MANE Select); coding-DNA position 1237, G replaced by A.
Protein change: p.Val413Met; replaces valine 413 with methionine.
Molecular consequence: missense variant. On other transcripts: non-coding transcript variant (1).
Genome position (GRCh38, 1-based): chr1:41,003,161, G>A. VCF-style: chr1-41003161-G-A. GRCh37 (hg19) VCF-style: chr1-41468833-G-A.
Other names: c.769G>A, p.Val257Met (NM_001301237.2); short protein forms V257M, V413M.
Identifiers: ClinVar variation 1054524 (VCV001054524.8), dbSNP rs778320711, ClinGen allele CA795465.

ClinVar aggregate classification (germline): Uncertain significance (1 of 4 stars; one submission).

Conditions:
Combined immunodeficiency due to CTPS1 deficiency. Also called: Severe combined immunodeficiency due to CTPS1 deficiency; Immunodeficiency 24. Identifiers: Orphanet 420573, MedGen C4014617, MONDO:0014391, OMIM 615897.

Allele frequency attached by ClinVar (database versions not stated): gnomAD exomes 0.00001; ExAC 0.00002.
gnomAD v4.1: 6 of 1,614,174 alleles (0.00037%); highest among the groups gnomAD compares: South Asian, 0.0044%; no homozygotes.

Submission:

Labcorp Genetics (formerly Invitae), Labcorp
Classification: Uncertain significance for Combined immunodeficiency due to CTPS1 deficiency. Last evaluated: 2020-10-16. Review status: criteria provided, single submitter. Criteria: Invitae Variant Classification Sherloc (09022015). Collection method: clinical testing. Allele origin: germline.
Comment: In summary, the available evidence is currently insufficient to determine the role of this variant in disease. Therefore, it has been classified as a Variant of Uncertain Significance. Algorithms developed to predict the effect of missense changes on protein structure and function (SIFT, PolyPhen-2, Align-GVGD) all suggest that this variant is likely to be tolerated, but these predictions have not been confirmed by published functional studies and their clinical significance is uncertain. This variant has not been reported in the literature in individuals with CTPS1-related conditions. This variant is present in population databases (rs778320711, ExAC 0.01%). This sequence change replaces valine with methionine at codon 413 of the CTPS1 protein (p.Val413Met). The valine residue is highly conserved and there is a small physicochemical difference between valine and methionine.